The following is an entry in ClinVar:

NM_000038.6(APC):c.7964A>T (p.Glu2655Val)

Gene: APC (APC regulator of Wnt signaling pathway; plus strand). Cytogenetic location: 5q22.2.
Variant type: single nucleotide variant.
Coding change: c.7964A>T on transcript NM_000038.6 (MANE Select); coding-DNA position 7964, A replaced by T.
Protein change: p.Glu2655Val; replaces glutamic acid 2655 with valine.
Molecular consequence: missense variant. On other transcripts: non-coding transcript variant (2).
Genome position (GRCh38, 1-based): chr5:112,843,558, A>T. VCF-style: chr5-112843558-A-T. GRCh37 (hg19) VCF-style: chr5-112179255-A-T.
Other names: c.7964A>T, p.Glu2655Val (NM_001127510.3, NM_001354895.2, NM_001407450.1); c.7910A>T, p.Glu2637Val (NM_001127511.3); c.8018A>T, p.Glu2673Val (NM_001354896.2, NM_001407447.1, NM_001407448.1 and 1 more transcripts); c.7994A>T, p.Glu2665Val (NM_001354897.2); c.7889A>T, p.Glu2630Val (NM_001354898.2); c.7880A>T, p.Glu2627Val (NM_001354899.2); c.7841A>T, p.Glu2614Val (NM_001354900.2); c.7787A>T, p.Glu2596Val (NM_001354901.2, NM_001407453.1); and 11 more; short protein forms E2526V, E2529V, E2572V, E2630V, E2637V, E2271V, E2372V, E2596V.
Identifiers: ClinVar variation 2452710 (VCV002452710.2), dbSNP rs2149997064, ClinGen allele CA16038627.

ClinVar aggregate classification (germline): Uncertain significance (1 of 4 stars; one submission).

Conditions:
Hereditary cancer-predisposing syndrome. Also called: Neoplastic Syndromes, Hereditary; Tumor predisposition; Hereditary neoplastic syndrome; Hereditary Cancer Syndrome. Identifiers: Orphanet 140162, MedGen C0027672, MeSH D009386, MONDO:0015356.

Submission:

Ambry Genetics
Classification: Uncertain significance for Hereditary cancer-predisposing syndrome. Last evaluated: 2022-12-22. Review status: criteria provided, single submitter. Criteria: Ambry Variant Classification Scheme 2023. Collection method: clinical testing. Allele origin: germline.
Comment: The p.E2655V variant (also known as c.7964A>T), located in coding exon 15 of the APC gene, results from an A to T substitution at nucleotide position 7964. The glutamic acid at codon 2655 is replaced by valine, an amino acid with dissimilar properties. This amino acid position is conserved. In addition, in silico predictors for this gene do not accurately predict pathogenicity. Since supporting evidence is limited at this time, the clinical significance of this alteration remains unclear.